The following is an entry in ClinVar:

NM_001943.5(DSG2):c.*705G>A

Genes: DSG2 (desmoglein 2; plus strand), DSG2-AS1 (DSG2 antisense RNA 1; minus strand). Cytogenetic location: 18q12.1.
Variant type: single nucleotide variant.
Coding change: c.*705G>A on transcript NM_001943.5 (MANE Select); 705 bases downstream of the stop codon, G replaced by A.
Molecular consequence: 3 prime UTR variant.
Genome position (GRCh38, 1-based): chr18:31,547,448, G>A. VCF-style: chr18-31547448-G-A. GRCh37 (hg19) VCF-style: chr18-29127411-G-A.
Other names: c.*705G>A (LRG_397t1).
Identifiers: ClinVar variation 326510 (VCV000326510.5), dbSNP rs57112788, ClinGen allele CA10650753.
Genomic context (GRCh38, chr18:31,547,448, plus strand): 5'-TTATACTGGCCAGGGGTGGTGGCTAACGCCTGTAATCCCAGCACTTTGGGAGGCCGAGGC[G>A]GGTGGATCAACTGTGGTCAGGAGTTTGAGATCAGCCAGGCCAACCTGGTGAAACCCCGTC-3'

ClinVar aggregate classification (germline): Likely benign (1 of 4 stars; one submission).

Conditions:
Arrhythmogenic right ventricular dysplasia 10. Also called: Arrhythmogenic Right Ventricular Dysplasia/Cardiomyopathy10; ARRHYTHMOGENIC RIGHT VENTRICULAR DYSPLASIA, FAMILIAL, 10; Arrhythmogenic right ventricular dysplasia/cardiomyopathy, type 10. Identifiers: MedGen C1857777, MONDO:0012434, OMIM 610193.

Allele frequency attached by ClinVar (database versions not stated): 1000 Genomes Project 0.00319; gnomAD 0.00298 and 0.00284; TOPMed 0.00322; 1000 Genomes Project 30x 0.00359.

Submission:

Illumina Laboratory Services, Illumina
Classification: Likely benign for Arrhythmogenic right ventricular dysplasia 10. Last evaluated: 2018-01-13. Review status: criteria provided, single submitter. Criteria: ICSL Variant Classification Criteria 13 December 2019. Collection method: clinical testing. Allele origin: germline.
Comment: This variant was observed in the ICSL laboratory as part of a predisposition screen in an ostensibly healthy population. It had not been previously curated by ICSL or reported in the Human Gene Mutation Database (HGMD: prior to June 1st, 2018), and was therefore a candidate for classification through an automated scoring system. Utilizing variant allele frequency, disease prevalence and penetrance estimates, and inheritance mode, an automated score was calculated to assess if this variant is too frequent to cause the disease. Based on the score and internal cut-off values, a variant classified as likely benign is not then subjected to further curation. The score for this variant resulted in a classification of likely benign for this disease.